The following is an entry in ClinVar:

ClinVar aggregate classification (germline): Uncertain significance (1 of 4 stars; one submission).

Conditions:
MHC class I deficiency. Identifiers: Orphanet 34592, MedGen C6024714, MONDO:0011476.

Allele frequency attached by ClinVar (database versions not stated): gnomAD exomes 0.00002 and 0.00001; gnomAD 0.00001; TOPMed 0.00001.
gnomAD v4.1: 22 of 1,612,910 alleles (0.0014%); highest among the groups gnomAD compares: Admixed American, 0.01%; no homozygotes.

Submission:

Labcorp Genetics (formerly Invitae), Labcorp
Classification: Uncertain significance for MHC class I deficiency 1. Last evaluated: 2024-10-26. Review status: criteria provided, single submitter. Criteria: Invitae Variant Classification Sherloc (09022015). Collection method: clinical testing. Allele origin: germline.
Comment: This sequence change replaces isoleucine, which is neutral and non-polar, with valine, which is neutral and non-polar, at codon 264 of the TAP1 protein (p.Ile264Val). This variant is present in population databases (no rsID available, gnomAD 0.01%). This variant has not been reported in the literature in individuals affected with TAP1-related conditions. ClinVar contains an entry for this variant (Variation ID: 1039930). An algorithm developed to predict the effect of missense changes on protein structure and function outputs the following: PolyPhen-2: "Benign". The valine amino acid residue is found in multiple mammalian species, which suggests that this missense change does not adversely affect protein function. In summary, the available evidence is currently insufficient to determine the role of this variant in disease. Therefore, it has been classified as a Variant of Uncertain Significance.

NM_000593.6(TAP1):c.610A>G (p.Ile204Val)

Gene: TAP1 (transporter 1, ATP binding cassette subfamily B member; minus strand). Cytogenetic location: 6p21.32.
Variant type: single nucleotide variant.
Coding change: c.610A>G on transcript NM_000593.6 (MANE Select); coding-DNA position 610, A replaced by G.
Protein change: p.Ile204Val; replaces isoleucine 204 with valine.
Molecular consequence: missense variant.
Genome position (GRCh38, 1-based): chr6:32,852,491, T>C on the plus strand (A>G on the coding strand, the complement: TAP1 is on the minus strand). VCF-style: chr6-32852491-T-C. GRCh37 (hg19) VCF-style: chr6-32820268-T-C.
Other names: c.7A>G, p.Ile3Val (NM_001292022.2); short protein forms I204V, I3V.
Identifiers: ClinVar variation 1039930 (VCV001039930.7), dbSNP rs1270686101, ClinGen allele CA363581715.
Genomic context (GRCh38, chr6:32,852,491, plus strand): 5'-AGGTATCGGCTGAGCCATCTTGTAGAATCCAGTCAGTGAGGCGGCCCGTAAAGAATGGAA[T>C]GGCCATCTCCCCTGGAGAAAGAGAAGAGAGGTCACGCACAAATATTAAGTCTAAGTAGGT-3'
Protein context (NP_000584.3, residues 194-214): VVLSSLGEMA[Ile204Val]PFFTGRLTDW